The following is an entry in ClinVar:

NM_001082486.2(ACD):c.1089C>T (p.Thr363=)

Gene: ACD (ACD shelterin complex subunit and telomerase recruitment factor; minus strand). Cytogenetic location: 16q22.1.
Variant type: single nucleotide variant.
Coding change: c.1089C>T on transcript NM_001082486.2 (MANE Select); coding-DNA position 1089, C replaced by T.
Protein change: p.Thr363=; no amino-acid change (threonine 363 retained).
Molecular consequence: synonymous variant.
Genome position (GRCh38, 1-based): chr16:67,658,103, G>A on the plus strand (C>T on the coding strand, the complement: ACD is on the minus strand). VCF-style: chr16-67658103-G-A. GRCh37 (hg19) VCF-style: chr16-67692006-G-A.
Other names: c.1002C>T, p.Thr334= (NM_001410884.1); c.1080C>T, p.Thr360= (NM_022914.3).
Identifiers: ClinVar variation 1770502 (VCV001770502.15), dbSNP rs1414641852, ClinGen allele CA496087934.

ClinVar aggregate classification (germline): Likely benign. Review status: criteria provided, multiple submitters, no conflicts (2 of 4 stars). 3 submissions from 3 submitters: Likely benign (3). Last evaluated 2025-08-01.

Conditions:
Inborn genetic diseases. Identifiers: MedGen C0950123, MeSH D030342.
Dyskeratosis congenita, autosomal dominant 6 (DKCA6). Identifiers: Orphanet 3322, MedGen C4225284, MONDO:0014690, OMIM 616553.

Allele frequency attached by ClinVar (database versions not stated): gnomAD 0.00001.
gnomAD v4.1: 3 of 1,579,930 alleles (0.00019%); highest among the groups gnomAD compares: Non-Finnish European, 0.00017%; no homozygotes.

Submissions (3):

CeGaT Center for Human Genetics Tuebingen
Classification: Likely benign. Last evaluated: 2025-08-01. Review status: criteria provided, single submitter. Criteria: CeGaT Center For Human Genetics Tuebingen Variant Classification Criteria Version 2. Collection method: clinical testing. Allele origin: germline. Affected: yes. Observed: 1 variant allele.
Comment: ACD: BP4, BP7

Ambry Genetics
Classification: Likely benign for Inborn genetic diseases. Last evaluated: 2022-09-10. Review status: criteria provided, single submitter. Criteria: Ambry Variant Classification Scheme 2023. Collection method: clinical testing. Allele origin: germline.

Labcorp Genetics (formerly Invitae), Labcorp
Classification: Likely benign for Dyskeratosis congenita, autosomal dominant 6. Last evaluated: 2022-01-27. Review status: criteria provided, single submitter. Criteria: Invitae Variant Classification Sherloc (09022015). Collection method: clinical testing. Allele origin: germline.